The following is an entry in ClinVar:

NM_003024.3(ITSN1):c.1631A>G (p.Glu544Gly)

Gene: ITSN1 (intersectin 1; plus strand). Cytogenetic location: 21q22.11.
Variant type: single nucleotide variant.
Coding change: c.1631A>G on transcript NM_003024.3 (MANE Select); coding-DNA position 1631, A replaced by G.
Protein change: p.Glu544Gly; replaces glutamic acid 544 with glycine.
Molecular consequence: missense variant.
Genome position (GRCh38, 1-based): chr21:33,781,495, A>G. VCF-style: chr21-33781495-A-G. GRCh37 (hg19) VCF-style: chr21-35153799-A-G.
Other names: c.1631A>G, p.Glu544Gly (NM_001001132.2, NM_001331008.2, NM_001331009.2 and 2 more transcripts); c.1520A>G, p.Glu507Gly (NM_001331012.2); short protein forms E507G, E544G.
Identifiers: ClinVar variation 5022867 (VCV005022867.1).

ClinVar aggregate classification (germline): Uncertain significance (1 of 4 stars; one submission).

Conditions:
Inborn genetic diseases. Identifiers: MedGen C0950123, MeSH D030342.

gnomAD v4.1: 1 of 1,598,916 alleles (0.000063%); highest among the groups gnomAD compares: South Asian, 0.0011%; no homozygotes.

Submission:

Ambry Genetics
Classification: Uncertain significance for Inborn genetic diseases. Last evaluated: 2026-08-05. Review status: criteria provided, single submitter. Criteria: Ambry Variant Classification Scheme 2023. Collection method: clinical testing. Allele origin: germline.
Comment: The c.1631A>G (p.E544G) alteration is located in exon 15 (coding exon 14) of the ITSN1 gene. This alteration results from a A to G substitution at nucleotide position 1631, causing the glutamic acid (E) at amino acid position 544 to be replaced by a glycine (G). Based on data from gnomAD, the G allele has an overall frequency of <0.001% (1/239728) total alleles studied. The highest observed frequency was 0.004% (1/28240) of South Asian alleles. Based on insufficient or conflicting evidence, the clinical significance of this alteration remains unclear.